The following is an entry in ClinVar:

NM_000558.3(HBA1):c.286C>A (p.Pro96Thr)

Genes: HBA1 (hemoglobin subunit alpha 1; plus strand), LOC106804613 (hemoglobin subunit alpha 1 recombination region; plus strand). Cytogenetic location: 16p13.3.
Variant type: single nucleotide variant.
Coding change: c.286C>A on transcript NM_000558.3; coding-DNA position 286, C replaced by A.
Protein change: p.Pro96Thr; replaces proline 96 with threonine.
Molecular consequence: missense variant (on NM_000558.5).
Genome position (GRCh38, 1-based): chr16:177,119, C>A. VCF-style: chr16-177119-C-A. GRCh37 (hg19) VCF-style: chr16-227118-C-A.
Other names: P95T; c.286C>A, p.Pro96Thr (NM_000558.5); short protein forms P96T.
Identifiers: ClinVar variation 15873 (VCV000015873.3), dbSNP rs33984621, ClinGen allele CA125993.

ClinVar aggregate classification (germline): Uncertain significance. Review status: criteria provided, single submitter (1 of 4 stars). 2 submissions from 2 submitters: Uncertain significance (1). 1 of the submissions does not count toward it. Last evaluated 2025-06-11.

Conditions:
HEMOGLOBIN GODAVARI.

Submissions (2):

Women's Health and Genetics/Laboratory Corporation of America, LabCorp
Classification: Uncertain significance. Last evaluated: 2025-06-11. Review status: criteria provided, single submitter. Criteria: LabCorp Variant Classification Summary - May 2015. Collection method: clinical testing. Allele origin: germline.
Comment: Variant summary: HBA1 c.286C>A (also known as Hb Godavari, p.Pro96Thr) results in a non-conservative amino acid change in the encoded protein sequence. Algorithms developed to predict the effect of missense changes on protein structure and function all suggest that this variant is likely to be disruptive. The variant was absent in 219470 control chromosomes. The available data on variant occurrences in the general population are insufficient to allow any conclusion about variant significance. c.286C>A has been observed in individuals affected with anemia, full clinical information of some carriers however were not provided (Hoyer_2002). These report(s) do not provide unequivocal conclusions about association of the variant with Alpha Thalassemia. At least one publication reports experimental evidence evaluating an impact on protein function. These results showed no significant damaging effect of this variant (Hoyer_2002). The following publications has been ascertained in the context of this evaluation (PMID: 9494044). ClinVar contains an entry for this variant (Variation ID: 15873). Based on the evidence outlined above, the variant was classified as uncertain significance.

OMIM
Classification: other for HEMOGLOBIN GODAVARI. Last evaluated: 2016-07-20. Review status: no assertion criteria provided. Collection method: literature only. Allele origin: germline. Not counted in ClinVar's aggregate classification.

Literature cited by the submitters: PubMed 9494044 (cited by Women's Health and Genetics/Laboratory Corporation of America, LabCorp and OMIM); PubMed 12484636 (cited by Women's Health and Genetics/Laboratory Corporation of America, LabCorp); PubMed 10335982 (cited by Women's Health and Genetics/Laboratory Corporation of America, LabCorp).